The following is an entry in ClinVar:

NM_005413.4(SIX3):c.72C>G (p.His24Gln)

Gene: SIX3 (SIX homeobox 3; plus strand). Cytogenetic location: 2p21.
Variant type: single nucleotide variant.
Coding change: c.72C>G on transcript NM_005413.4 (MANE Select); coding-DNA position 72, C replaced by G.
Protein change: p.His24Gln; replaces histidine 24 with glutamine.
Molecular consequence: missense variant.
Genome position (GRCh38, 1-based): chr2:44,942,176, C>G. VCF-style: chr2-44942176-C-G. GRCh37 (hg19) VCF-style: chr2-45169315-C-G.
Other names: short protein forms H24Q.
Identifiers: ClinVar variation 3618794 (VCV003618794.2).

ClinVar aggregate classification (germline): Uncertain significance (1 of 4 stars; one submission).

Conditions:
Holoprosencephaly 2 (HPE2). Identifiers: Orphanet 2162, MedGen C1834877, MONDO:0007999, OMIM 157170.

gnomAD v4.1: 3 of 1,598,150 alleles (0.00019%); highest among the groups gnomAD compares: African/African-American, 0.0013%; no homozygotes.

Submission:

Labcorp Genetics (formerly Invitae), Labcorp
Classification: Uncertain significance for Holoprosencephaly 2. Last evaluated: 2024-02-28. Review status: criteria provided, single submitter. Criteria: Invitae Variant Classification Sherloc (09022015). Collection method: clinical testing. Allele origin: germline.
Comment: This sequence change replaces histidine, which is basic and polar, with glutamine, which is neutral and polar, at codon 24 of the SIX3 protein (p.His24Gln). This variant is present in population databases (no rsID available, gnomAD 0.01%). This variant has not been reported in the literature in individuals affected with SIX3-related conditions. Experimental studies and prediction algorithms are not available or were not evaluated, and the functional significance of this variant is currently unknown. In summary, the available evidence is currently insufficient to determine the role of this variant in disease. Therefore, it has been classified as a Variant of Uncertain Significance.